The following is an entry in ClinVar:

ClinVar aggregate classification (germline): Uncertain significance. Review status: criteria provided, multiple submitters, no conflicts (2 of 4 stars). 2 submissions from 2 submitters: Uncertain significance (2). Last evaluated 2024-12-16.

Conditions:
Cardiomyopathy (CMYO). Also called: Cardiomyopathies. Identifiers: Orphanet 167848, MedGen C0878544, MONDO:0004994, HP:0001638. Inheritance: Various modes of inheritance.

gnomAD v4.1: 9 of 1,613,066 alleles (0.00056%); highest among the groups gnomAD compares: Non-Finnish European, 0.00025%; no homozygotes.

Submissions (2):

Color Diagnostics, LLC DBA Color Health
Classification: Uncertain significance for Cardiomyopathy. Last evaluated: 2024-12-16. Review status: criteria provided, single submitter. Criteria: ACMG Guidelines, 2015. Collection method: clinical testing. Allele origin: germline.
Comment: This missense variant replaces arginine with glycine at codon 1832 of the MYH7 protein. Computational prediction tool is inconclusive regarding the impact of this variant on protein structure and function. To our knowledge, functional studies have not been reported for this variant. This variant has been reported in an individual affected with myopathy and dilated cardiomyopathy (PMID: 39448255). This variant has been identified in 3/250790 chromosomes in the general population by the Genome Aggregation Database (gnomAD). The available evidence is insufficient to determine the role of this variant in disease conclusively. Therefore, this variant is classified as a Variant of Uncertain Significance.

Blueprint Genetics
Classification: Uncertain significance. Last evaluated: 2021-02-18. Review status: criteria provided, single submitter. Criteria: ACMG Guidelines, 2015. Collection method: clinical testing. Allele origin: germline.

Literature cited by the submitters: PubMed 39448255 (cited by Color Diagnostics, LLC DBA Color Health).

NM_000257.4(MYH7):c.5494C>G (p.Arg1832Gly)

Gene: MYH7 (myosin heavy chain 7; minus strand). Cytogenetic location: 14q11.2.
Variant type: single nucleotide variant.
Coding change: c.5494C>G on transcript NM_000257.4 (MANE Select); coding-DNA position 5494, C replaced by G.
Protein change: p.Arg1832Gly; replaces arginine 1832 with glycine.
Molecular consequence: missense variant.
Genome position (GRCh38, 1-based): chr14:23,415,060, G>C on the plus strand (C>G on the coding strand, the complement: MYH7 is on the minus strand). VCF-style: chr14-23415060-G-C. GRCh37 (hg19) VCF-style: chr14-23884269-G-C.
Other names: c.5494C>G, p.Arg1832Gly (NM_001407004.1); short protein forms R1832G.
Identifiers: ClinVar variation 3893894 (VCV003893894.2).